The following is an entry in ClinVar:

NM_000051.4(ATM):c.5599C>G (p.Gln1867Glu)

Gene: ATM (ATM serine/threonine kinase; plus strand). Cytogenetic location: 11q22.3.
Variant type: single nucleotide variant.
Coding change: c.5599C>G on transcript NM_000051.4 (MANE Select); coding-DNA position 5599, C replaced by G.
Protein change: p.Gln1867Glu; replaces glutamine 1867 with glutamic acid.
Molecular consequence: missense variant.
Genome position (GRCh38, 1-based): chr11:108,304,777, C>G. VCF-style: chr11-108304777-C-G. GRCh37 (hg19) VCF-style: chr11-108175504-C-G.
Other names: c.5599C>G, p.Gln1867Glu (NM_001351834.2); short protein forms Q1867E.
Identifiers: ClinVar variation 1519485 (VCV001519485.8), dbSNP rs2135944782, ClinGen allele CA382546221.

ClinVar aggregate classification (germline): Uncertain significance (1 of 4 stars; one submission).

Conditions:
Ataxia-telangiectasia syndrome (AT). Also called: Ataxia-telangiectasia, complementation group E; Cerebello-oculocutaneous telangiectasia; Immunodeficiency with ataxia telangiectasia; ATAXIA-TELANGIECTASIA, COMPLEMENTATION GROUP A; ATAXIA-TELANGIECTASIA, FRESNO VARIANT; Ataxia-telangiectasia, complementation group D. Identifiers: Orphanet 100, MedGen C0004135, MONDO:0008840, OMIM 208900.

Submission:

Labcorp Genetics (formerly Invitae), Labcorp
Classification: Uncertain significance for Ataxia-telangiectasia syndrome. Last evaluated: 2024-06-03. Review status: criteria provided, single submitter. Criteria: Invitae Variant Classification Sherloc (09022015). Collection method: clinical testing. Allele origin: germline.
Comment: This sequence change replaces glutamine, which is neutral and polar, with glutamic acid, which is acidic and polar, at codon 1867 of the ATM protein (p.Gln1867Glu). This variant is not present in population databases (gnomAD no frequency). This variant has not been reported in the literature in individuals affected with ATM-related conditions. ClinVar contains an entry for this variant (Variation ID: 1519485). An algorithm developed to predict the effect of missense changes on protein structure and function (PolyPhen-2) suggests that this variant is likely to be tolerated. In summary, the available evidence is currently insufficient to determine the role of this variant in disease. Therefore, it has been classified as a Variant of Uncertain Significance.